The following is an entry in ClinVar:

ClinVar aggregate classification (germline): Benign/Likely benign. Review status: criteria provided, multiple submitters, no conflicts (2 of 4 stars). 9 submissions from 9 submitters: Benign (5); Likely benign (3). 1 of the submissions does not count toward it. Last evaluated 2026-02-04.

Conditions:
Ornithine carbamoyltransferase deficiency (OTCD). Also called: Ornithine Carbamoyltransferase Deficiency Disease; ORNITHINE TRANSCARBAMYLASE DEFICIENCY; ORNITHINE TRANSCARBAMYLASE DEFICIENCY, HYPERAMMONEMIA DUE TO; OTC DEFICIENCY. Identifiers: Orphanet 664, MedGen C0268542, MONDO:0010703, OMIM 311250.
Inborn genetic diseases. Identifiers: MedGen C0950123, MeSH D030342.

Allele frequency attached by ClinVar (database versions not stated): gnomAD exomes 0.00061 and 0.00193; ExAC 0.00255; gnomAD 0.00693 and 0.00722; ESP Exome Variant Server 0.00758; TOPMed 0.00788; 1000 Genomes Project 0.00954; 1000 Genomes Project 30x 0.01061.
gnomAD v4.1: 1,481 of 1,209,035 alleles (0.12%); highest among the groups gnomAD compares: African/African-American, 2.3%; 21 homozygotes.

Submissions (9):

Labcorp Genetics (formerly Invitae), Labcorp
Classification: Benign for Ornithine carbamoyltransferase deficiency. Last evaluated: 2026-02-04. Review status: criteria provided, single submitter. Criteria: Invitae Variant Classification Sherloc (09022015). Collection method: clinical testing. Allele origin: germline.

Blueprint Genetics
Classification: Likely benign. Last evaluated: 2024-11-27. Review status: criteria provided, single submitter. Criteria: ACMG Guidelines, 2015. Collection method: clinical testing. Allele origin: germline.

Mayo Clinic Laboratories, Mayo Clinic
Classification: Benign. Last evaluated: 2024-02-01. Review status: criteria provided, single submitter. Criteria: ACMG Guidelines, 2015. Collection method: clinical testing. Allele origin: germline. Observed: 3 variant alleles.
Comment: BS1, BS2, BP4, BP7

Color Diagnostics, LLC DBA Color Health
Classification: Benign for Ornithine carbamoyltransferase deficiency. Last evaluated: 2022-04-21. Review status: criteria provided, single submitter. Criteria: ACMG Guidelines, 2015. Collection method: clinical testing. Allele origin: germline.

Illumina Laboratory Services, Illumina
Classification: Benign for Ornithine carbamoyltransferase deficiency. Last evaluated: 2018-01-13. Review status: criteria provided, single submitter. Criteria: ICSL Variant Classification Criteria 13 December 2019. Collection method: clinical testing. Allele origin: germline.
Comment: This variant was observed in the ICSL laboratory as part of a predisposition screen in an ostensibly healthy population. It had not been previously curated by ICSL or reported in the Human Gene Mutation Database (HGMD: prior to June 1st, 2018), and was therefore a candidate for classification through an automated scoring system. Utilizing variant allele frequency, disease prevalence and penetrance estimates, and inheritance mode, an automated score was calculated to assess if this variant is too frequent to cause the disease. Based on the score and internal cut-off values, a variant classified as benign is not then subjected to further curation. The score for this variant resulted in a classification of benign for this disease.

GeneDx
Classification: Benign. Last evaluated: 2016-04-06. Review status: criteria provided, single submitter. Criteria: GeneDx Variant Classification (06012015). Collection method: clinical testing. Allele origin: germline. Affected: yes.
Comment: This variant is considered likely benign or benign based on one or more of the following criteria: it is a conservative change, it occurs at a poorly conserved position in the protein, it is predicted to be benign by multiple in silico algorithms, and/or has population frequency not consistent with disease.

Ambry Genetics
Classification: Likely benign for Inborn genetic diseases. Last evaluated: 2014-06-27. Review status: criteria provided, single submitter. Criteria: Ambry Variant Classification Scheme 2023. Collection method: clinical testing. Allele origin: germline.

Breakthrough Genomics
Classification: Likely benign. Review status: criteria provided, single submitter. Criteria: ACMG Guidelines, 2015. Collection method: not provided. Allele origin: germline. Inheritance: X-linked inheritance. Affected: yes.

Natera, Inc.
Classification: Benign for Ornithine transcarbamylase deficiency. Last evaluated: 2019-12-10. Review status: no assertion criteria provided. Collection method: clinical testing. Allele origin: germline. Not counted in ClinVar's aggregate classification.

NM_000531.6(OTC):c.751T>C (p.Leu251=)

Gene: OTC (ornithine transcarbamylase; plus strand). Cytogenetic location: Xp11.4.
Variant type: single nucleotide variant.
Coding change: c.751T>C on transcript NM_000531.6 (MANE Select); coding-DNA position 751, T replaced by C.
Protein change: p.Leu251=; no amino-acid change (leucine 251 retained).
Molecular consequence: synonymous variant.
Genome position (GRCh38, 1-based): chrX:38,408,909, T>C. VCF-style: chrX-38408909-T-C. GRCh37 (hg19) VCF-style: chrX-38268162-T-C.
Other names: p.Leu251=.
Identifiers: ClinVar variation 368260 (VCV000368260.29), dbSNP rs36005267, ClinGen allele CA10385936.